The following is an entry in ClinVar:

ClinVar aggregate classification (germline): Uncertain significance. Review status: criteria provided, multiple submitters, no conflicts (2 of 4 stars). 2 submissions from 2 submitters: Uncertain significance (2). Last evaluated 2025-01-20.

Conditions:
Inborn genetic diseases. Identifiers: MedGen C0950123, MeSH D030342.

Allele frequency attached by ClinVar (database versions not stated): TOPMed 0.00001; ExAC 0.00002; gnomAD 0.00002; gnomAD exomes 0.00004.
gnomAD v4.1: 66 of 1,614,034 alleles (0.0041%); highest among the groups gnomAD compares: Non-Finnish European, 0.0054%; no homozygotes.

Submissions (2):

Labcorp Genetics (formerly Invitae), Labcorp
Classification: Uncertain significance. Last evaluated: 2025-01-20. Review status: criteria provided, single submitter. Criteria: Invitae Variant Classification Sherloc (09022015). Collection method: clinical testing. Allele origin: germline.
Comment: This sequence change replaces lysine, which is basic and polar, with glutamic acid, which is acidic and polar, at codon 221 of the LRP6 protein (p.Lys221Glu). This variant is present in population databases (rs777190050, gnomAD 0.005%). This variant has not been reported in the literature in individuals affected with LRP6-related conditions. ClinVar contains an entry for this variant (Variation ID: 2373544). An algorithm developed to predict the effect of missense changes on protein structure and function (PolyPhen-2) suggests that this variant is likely to be tolerated. In summary, the available evidence is currently insufficient to determine the role of this variant in disease. Therefore, it has been classified as a Variant of Uncertain Significance.

Ambry Genetics
Classification: Uncertain significance for Inborn genetic diseases. Last evaluated: 2022-08-30. Review status: criteria provided, single submitter. Criteria: Ambry Variant Classification Scheme 2023. Collection method: clinical testing. Allele origin: germline.

NM_002336.3(LRP6):c.661A>G (p.Lys221Glu)

Gene: LRP6 (LDL receptor related protein 6; minus strand). Cytogenetic location: 12p13.2.
Variant type: single nucleotide variant.
Coding change: c.661A>G on transcript NM_002336.3 (MANE Select); coding-DNA position 661, A replaced by G.
Protein change: p.Lys221Glu; replaces lysine 221 with glutamic acid.
Molecular consequence: missense variant.
Genome position (GRCh38, 1-based): chr12:12,187,106, T>C on the plus strand (A>G on the coding strand, the complement: LRP6 is on the minus strand). VCF-style: chr12-12187106-T-C. GRCh37 (hg19) VCF-style: chr12-12340040-T-C.
Other names: c.661A>G, p.Lys221Glu (NM_001414244.1, NM_001414245.1, NM_001414246.1 and 5 more transcripts); c.463A>G, p.Lys155Glu (NM_001414247.1); c.208A>G, p.Lys70Glu (NM_001414252.1, NM_001414253.1, NM_001414254.1); short protein forms K155E, K221E, K70E.
Identifiers: ClinVar variation 2373544 (VCV002373544.4), dbSNP rs777190050, ClinGen allele CA6455820.
Genomic context (GRCh38, chr12:12,187,106, plus strand): 5'-CAGTCCAGTACAATATGTCCTCAAATAACGTCAAGGCAAAAGGATGTGGAAGGGAACCTT[T>C]AACCACTGCCTGCCTATTAACATAAAGAGAAAAATTTAAACTTATTTCTAAATTTTCTTC-3'
Protein context (NP_002327.2, residues 211-231): LDGTNRQAVV[Lys221Glu]GSLPHPFALT